The following is an entry in ClinVar:

ClinVar aggregate classification (germline): Uncertain significance. Review status: criteria provided, multiple submitters, no conflicts (2 of 4 stars). 2 submissions from 2 submitters: Uncertain significance (2). Last evaluated 2025-08-04.

Conditions:
Duchenne muscular dystrophy (DMD). Also called: MUSCULAR DYSTROPHY, PSEUDOHYPERTROPHIC PROGRESSIVE, DUCHENNE TYPE; Duchenne Muscular Dystrophy (DMD). Identifiers: Orphanet 98896, MedGen C0013264, MONDO:0010679, OMIM 310200.

Submissions (2):

Labcorp Genetics (formerly Invitae), Labcorp
Classification: Uncertain significance for Duchenne muscular dystrophy. Last evaluated: 2025-08-04. Review status: criteria provided, single submitter. Criteria: Invitae Variant Classification Sherloc (09022015). Collection method: clinical testing. Allele origin: germline.
Comment: This sequence change falls in intron 12 of the DMD gene. It does not directly change the encoded amino acid sequence of the DMD protein. It affects a nucleotide within the consensus splice site. This variant is not present in population databases (gnomAD no frequency). This variant has not been reported in the literature in individuals affected with DMD-related conditions. ClinVar contains an entry for this variant (Variation ID: 3253578). Variants that disrupt the consensus splice site are a relatively common cause of aberrant splicing (PMID: 17576681, 9536098). Algorithms developed to predict the effect of sequence changes on RNA splicing suggest that this variant is not likely to affect RNA splicing. In summary, the available evidence is currently insufficient to determine the role of this variant in disease. Therefore, it has been classified as a Variant of Uncertain Significance.

GeneDx
Classification: Uncertain significance. Last evaluated: 2024-02-14. Review status: criteria provided, single submitter. Criteria: GeneDx Variant Classification Process June 2021. Collection method: clinical testing. Allele origin: germline. Affected: yes.
Comment: Not observed at significant frequency in large population cohorts (gnomAD); In silico analysis supports that this variant does not alter splicing; Has not been previously published as pathogenic or benign to our knowledge

Literature cited by the submitters: PubMed 17576681 (cited by Labcorp Genetics (formerly Invitae), Labcorp); PubMed 9536098 (cited by Labcorp Genetics (formerly Invitae), Labcorp).

NM_004006.3(DMD):c.1483-3C>G

Gene: DMD (dystrophin; minus strand). Cytogenetic location: Xp21.1.
Variant type: single nucleotide variant.
Coding change: c.1483-3C>G on transcript NM_004006.3 (MANE Select); 3 bases into the intron before coding-DNA position 1483, C replaced by G.
Molecular consequence: intron variant.
Genome position (GRCh38, 1-based): chrX:32,595,879, G>C on the plus strand (C>G on the coding strand, the complement: DMD is on the minus strand). VCF-style: chrX-32595879-G-C. GRCh37 (hg19) VCF-style: chrX-32613996-G-C.
Other names: c.1459-3C>G (NM_000109.4); c.1471-3C>G (NM_004009.3); c.1114-3C>G (NM_004010.3).
Identifiers: ClinVar variation 3253578 (VCV003253578.2), dbSNP rs2518924791.